The following is an entry in ClinVar:

NM_080647.1(TBX1):c.28A>G (p.Met10Val)

Gene: TBX1 (T-box transcription factor 1; plus strand). Cytogenetic location: 22q11.21.
Variant type: single nucleotide variant.
Coding change: c.28A>G on transcript NM_080647.1; coding-DNA position 28, A replaced by G.
Protein change: p.Met10Val; replaces methionine 10 with valine.
Molecular consequence: missense variant.
Genome position (GRCh38, 1-based): chr22:19,759,671, A>G. VCF-style: chr22-19759671-A-G. GRCh37 (hg19) VCF-style: chr22-19747194-A-G.
Other names: c.28A>G, p.Met10Val (NM_005992.1, NM_080646.2); short protein forms M10V.
Identifiers: ClinVar variation 1020038 (VCV001020038.9), dbSNP rs1936578247, ClinGen allele CA410680829.

ClinVar aggregate classification (germline): Uncertain significance (1 of 4 stars; one submission).

Conditions:
DiGeorge syndrome. Also called: THIRD AND FOURTH PHARYNGEAL POUCH SYNDROME; Catch22. Identifiers: Orphanet 567, MedGen C0012236, MONDO:0008564, OMIM 188400.

Submission:

Labcorp Genetics (formerly Invitae), Labcorp
Classification: Uncertain significance for DiGeorge syndrome. Last evaluated: 2020-07-12. Review status: criteria provided, single submitter. Criteria: Invitae Variant Classification Sherloc (09022015). Collection method: clinical testing. Allele origin: germline.
Comment: In summary, the available evidence is currently insufficient to determine the role of this variant in disease. Therefore, it has been classified as a Variant of Uncertain Significance. Experimental studies and prediction algorithms are not available or were not evaluated, and the functional significance of this variant is currently unknown. This variant has not been reported in the literature in individuals with TBX1-related conditions. This variant is not present in population databases (ExAC no frequency). This sequence change replaces methionine with valine at codon 10 of the TBX1 protein (p.Met10Val). The methionine residue is weakly conserved and there is a small physicochemical difference between methionine and valine.